The following is an entry in ClinVar:

ClinVar aggregate classification (germline): Uncertain significance (1 of 4 stars; one submission).

Submission:

Labcorp Genetics (formerly Invitae), Labcorp
Classification: Uncertain significance. Last evaluated: 2024-12-08. Review status: criteria provided, single submitter. Criteria: Invitae Variant Classification Sherloc (09022015). Collection method: clinical testing. Allele origin: germline.
Comment: This sequence change replaces valine, which is neutral and non-polar, with leucine, which is neutral and non-polar, at codon 525 of the TNFRSF11A protein (p.Val525Leu). This variant is not present in population databases (gnomAD no frequency). This variant has not been reported in the literature in individuals affected with TNFRSF11A-related conditions. An algorithm developed to predict the effect of missense changes on protein structure and function (PolyPhen-2) suggests that this variant is likely to be disruptive. In summary, the available evidence is currently insufficient to determine the role of this variant in disease. Therefore, it has been classified as a Variant of Uncertain Significance.

NM_003839.4(TNFRSF11A):c.1573G>C (p.Val525Leu)

Gene: TNFRSF11A (TNF receptor superfamily member 11a; plus strand). Cytogenetic location: 18q21.33.
Variant type: single nucleotide variant.
Coding change: c.1573G>C on transcript NM_003839.4 (MANE Select); coding-DNA position 1573, G replaced by C.
Protein change: p.Val525Leu; replaces valine 525 with leucine.
Molecular consequence: missense variant.
Genome position (GRCh38, 1-based): chr18:62,384,756, G>C. VCF-style: chr18-62384756-G-C. GRCh37 (hg19) VCF-style: chr18-60051989-G-C.
Other names: c.789G>C, p.Met263Ile (NM_001270949.2); c.736G>C, p.Val246Leu (NM_001270950.2); c.622G>C, p.Val208Leu (NM_001270951.2); c.1531G>C, p.Val511Leu (NM_001278268.2); short protein forms V208L, V511L, V525L, M263I, V246L.
Identifiers: ClinVar variation 3725397 (VCV003725397.2).